The following is an entry in ClinVar:

NM_021008.4(DEAF1):c.1530G>C (p.Glu510Asp)

Gene: DEAF1 (DEAF1 transcription factor; minus strand). Cytogenetic location: 11p15.5.
Variant type: single nucleotide variant.
Coding change: c.1530G>C on transcript NM_021008.4 (MANE Select); coding-DNA position 1530, G replaced by C.
Protein change: p.Glu510Asp; replaces glutamic acid 510 with aspartic acid.
Molecular consequence: missense variant.
Genome position (GRCh38, 1-based): chr11:654,025, C>G on the plus strand (G>C on the coding strand, the complement: DEAF1 is on the minus strand). VCF-style: chr11-654025-C-G. GRCh37 (hg19) VCF-style: chr11-654025-C-G.
Other names: c.1305G>C, p.Glu435Asp (NM_001293634.2); c.804G>C, p.Glu268Asp (NM_001367390.1); short protein forms E268D, E435D, E510D.
Identifiers: ClinVar variation 1312911 (VCV001312911.2), dbSNP rs1858922112, ClinGen allele CA379016511.
Genomic context (GRCh38, chr11:654,025, plus strand): 5'-GCGTTGGCAGAAGGTGGAGCAGTAGTTGACCTTGTGGCAGCCGGTGCACTCGCTCATAGC[C>G]TCCCGGCCGCAGTTAACGCAGGACTGCTGCAAGAAGGACACAACAGGCCAGTCAGTGACG-3'
Protein context (NP_066288.2, residues 500-520): KEQSCVNCGR[Glu510Asp]AMSECTGCHK

ClinVar aggregate classification (germline): Uncertain significance (1 of 4 stars; one submission).

Submission:

GeneDx
Classification: Uncertain significance. Last evaluated: 2020-06-30. Review status: criteria provided, single submitter. Criteria: GeneDx Variant Classification Process June 2021. Collection method: clinical testing. Allele origin: germline. Affected: yes.
Comment: Not observed in large population cohorts (Lek et al., 2016); In silico analysis supports that this missense variant does not alter protein structure/function; Has not been previously published as pathogenic or benign to our knowledge